The following is an entry in ClinVar:

NM_000051.4(ATM):c.8418+4A>G

Genes: C11orf65 (chromosome 11 open reading frame 65; minus strand), ATM (ATM serine/threonine kinase; plus strand). Cytogenetic location: 11q22.3.
Variant type: single nucleotide variant.
Coding change: c.8418+4A>G on transcript NM_000051.4 (MANE Select); 4 bases into the intron after coding-DNA position 8418, A replaced by G.
Molecular consequence: intron variant.
Genome position (GRCh38, 1-based): chr11:108,343,375, A>G. VCF-style: chr11-108343375-A-G. GRCh37 (hg19) VCF-style: chr11-108214102-A-G.
Other names: c.8418+4A>G (NM_001351834.2); c.641-34304T>C (NM_001330368.2); c.695-8083T>C (NM_001351110.2).
Identifiers: ClinVar variation 4727382 (VCV004727382.1).

ClinVar aggregate classification (germline): Uncertain significance (1 of 4 stars; one submission).

Conditions:
Ataxia-telangiectasia syndrome (AT). Also called: Ataxia-telangiectasia, complementation group D; AT, COMPLEMENTATION GROUP C; ATAXIA-TELANGIECTASIA, COMPLEMENTATION GROUP A; ATAXIA-TELANGIECTASIA, FRESNO VARIANT; Ataxia-telangiectasia; Ataxia-telangiectasia, complementation group E. Identifiers: Orphanet 100, MedGen C0004135, MONDO:0008840, OMIM 208900.

Submission:

Labcorp Genetics (formerly Invitae), Labcorp
Classification: Uncertain significance for Ataxia-telangiectasia syndrome. Last evaluated: 2025-09-17. Review status: criteria provided, single submitter. Criteria: Invitae Variant Classification Sherloc (09022015). Collection method: clinical testing. Allele origin: germline.
Comment: This sequence change falls in intron 57 of the ATM gene. It does not directly change the encoded amino acid sequence of the ATM protein. It affects a nucleotide within the consensus splice site. This variant is not present in population databases (gnomAD no frequency). This variant has not been reported in the literature in individuals affected with ATM-related conditions. Variants that disrupt the consensus splice site are a relatively common cause of aberrant splicing (PMID: 17576681, 9536098). Algorithms developed to predict the effect of sequence changes on RNA splicing suggest that this variant may disrupt the consensus splice site. In summary, the available evidence is currently insufficient to determine the role of this variant in disease. Therefore, it has been classified as a Variant of Uncertain Significance.

Literature cited by the submitters: PubMed 17576681; PubMed 9536098.